The following is an entry in ClinVar:

NM_144643.4(SCLT1):c.162-3dup

Gene: SCLT1 (sodium channel and clathrin linker 1; minus strand). Cytogenetic location: 4q28.2.
Variant type: Duplication.
Coding change: c.162-3dup on transcript NM_144643.4 (MANE Select); 3 bases into the intron before coding-DNA position 162, one base duplicated (T; older notation c.162-3dupT).
Molecular consequence: intron variant.
Genome position (GRCh38, 1-based): chr4:129,043,470, A duplicated on the plus strand (T on the coding strand, the reverse complement: SCLT1 is on the minus strand); the first of 7 consecutive A bases (chr4:129,043,470-129,043,476); duplicating any one gives the same sequence. VCF-style (leftmost placement, unchanged base first): chr4-129043469-T-TA. GRCh37 (hg19) VCF-style: chr4-129964624-T-TA.
Other names: c.162-3dupT (NM_144643.3); c.162-3dup (NM_001300898.2, NM_001300897.2).
Identifiers: ClinVar variation 1615749 (VCV001615749.9), dbSNP rs772892587, ClinGen allele CA3080045.

ClinVar aggregate classification (germline): Benign/Likely benign. Review status: criteria provided, multiple submitters, no conflicts (2 of 4 stars). 2 submissions from 2 submitters: Benign (1); Likely benign (1). Last evaluated 2025-08-15.

Conditions:
SCLT1-related disorder. Also called: SCLT1-related condition.

Submissions (2):

PreventionGenetics, part of Exact Sciences
Classification: Likely benign for SCLT1-related condition. Last evaluated: 2025-08-15. Review status: criteria provided, single submitter. Criteria: ACMG Guidelines, 2015. Collection method: clinical testing. Allele origin: germline.
Comment: This variant is classified as likely benign based on ACMG/AMP sequence variant interpretation guidelines (Richards et al. 2015 PMID: 25741868, with internal and published modifications).

Labcorp Genetics (formerly Invitae), Labcorp
Classification: Benign. Last evaluated: 2022-11-07. Review status: criteria provided, single submitter. Criteria: Invitae Variant Classification Sherloc (09022015). Collection method: clinical testing. Allele origin: germline.